The following is an entry in ClinVar:

ClinVar aggregate classification (germline): Likely benign. Review status: criteria provided, multiple submitters, no conflicts (2 of 4 stars). 2 submissions from 2 submitters: Likely benign (2). Last evaluated 2026-03-01.

gnomAD v4.1: 1,362 of 1,614,220 alleles (0.084%); highest among the groups gnomAD compares: Non-Finnish European, 0.1%; 2 homozygotes.

Submissions (2):

CeGaT Center for Human Genetics Tuebingen
Classification: Likely benign. Last evaluated: 2026-03-01. Review status: criteria provided, single submitter. Criteria: CeGaT Center For Human Genetics Tuebingen Variant Classification Criteria Version 2. Collection method: clinical testing. Allele origin: germline. Affected: yes. Observed: 2 variant alleles.
Comment: ATP9A: BP4, BP7

Blueprint Genetics
Classification: Likely benign. Last evaluated: 2024-11-26. Review status: criteria provided, single submitter. Criteria: ACMG Guidelines, 2015. Collection method: clinical testing. Allele origin: germline.

NM_006045.3(ATP9A):c.1389C>T (p.Ile463=)

Gene: ATP9A (ATPase phospholipid transporting 9A; minus strand). Cytogenetic location: 20q13.2.
Variant type: single nucleotide variant.
Coding change: c.1389C>T on transcript NM_006045.3 (MANE Select); coding-DNA position 1389, C replaced by T.
Protein change: p.Ile463=; no amino-acid change (isoleucine 463 retained).
Molecular consequence: synonymous variant.
Genome position (GRCh38, 1-based): chr20:51,657,055, G>A on the plus strand (C>T on the coding strand, the complement: ATP9A is on the minus strand). VCF-style: chr20-51657055-G-A. GRCh37 (hg19) VCF-style: chr20-50273594-G-A.
Identifiers: ClinVar variation 4533479 (VCV004533479.7).